The following is an entry in ClinVar:

NM_001204.7(BMPR2):c.860T>C (p.Leu287Ser)

Gene: BMPR2 (bone morphogenetic protein receptor type 2; plus strand). Cytogenetic location: 2q33.2.
Variant type: single nucleotide variant.
Coding change: c.860T>C on transcript NM_001204.7 (MANE Select); coding-DNA position 860, T replaced by C.
Protein change: p.Leu287Ser; replaces leucine 287 with serine.
Molecular consequence: missense variant.
Genome position (GRCh38, 1-based): chr2:202,520,094, T>C. VCF-style: chr2-202520094-T-C. GRCh37 (hg19) VCF-style: chr2-203384817-T-C.
Other names: short protein forms L287S.
Identifiers: ClinVar variation 3824914 (VCV003824914.1).
Genomic context (GRCh38, chr2:202,520,094, plus strand): 5'-TAAAGTGAGTTAATTCTACCTTTTTTTTTTTTCGCATTTTTTCCTCTATATAGGGATCTT[T>C]ATGCAAGTATTTAAGTCTCCACACAAGTGACTGGGTAAGCTCTTGCCGTCTTGCTCATTC-3'
Protein context (NP_001195.2, residues 277-297): LVMEYYPNGS[Leu287Ser]CKYLSLHTSD

ClinVar aggregate classification (germline): Uncertain significance (1 of 4 stars; one submission).

Conditions:
Inborn genetic diseases. Identifiers: MedGen C0950123, MeSH D030342.

Submission:

Ambry Genetics
Classification: Uncertain significance for Inborn genetic diseases. Last evaluated: 2025-02-16. Review status: criteria provided, single submitter. Criteria: Ambry Variant Classification Scheme 2023. Collection method: clinical testing. Allele origin: germline.
Comment: The p.L287S variant (also known as c.860T>C), located in coding exon 7 of the BMPR2 gene, results from a T to C substitution at nucleotide position 860. The leucine at codon 287 is replaced by serine, an amino acid with dissimilar properties. This amino acid position is conserved. In addition, this alteration is predicted to be deleterious by in silico analysis. Based on the available evidence, the clinical significance of this variant remains unclear.